The following is an entry in ClinVar:

NM_198271.5(LMOD3):c.837G>A (p.Lys279=)

Gene: LMOD3 (leiomodin 3; minus strand). Cytogenetic location: 3p14.1.
Variant type: single nucleotide variant.
Coding change: c.837G>A on transcript NM_198271.5 (MANE Select); coding-DNA position 837, G replaced by A.
Protein change: p.Lys279=; no amino-acid change (lysine 279 retained).
Molecular consequence: synonymous variant.
Genome position (GRCh38, 1-based): chr3:69,119,518, C>T on the plus strand (G>A on the coding strand, the complement: LMOD3 is on the minus strand). VCF-style: chr3-69119518-C-T. GRCh37 (hg19) VCF-style: chr3-69168669-C-T.
Other names: c.837G>A, p.Lys279= (NM_001304418.3).
Identifiers: ClinVar variation 698004 (VCV000698004.14), dbSNP rs185967498, ClinGen allele CA2488910.

ClinVar aggregate classification (germline): Benign/Likely benign. Review status: criteria provided, multiple submitters, no conflicts (2 of 4 stars). 4 submissions from 4 submitters: Benign (1); Likely benign (3). Last evaluated 2026-01-19.

Conditions:
Nemaline myopathy 10 (NEM10). Identifiers: MedGen C4015360, MONDO:0014513, OMIM 616165.
LMOD3-related disorder. Also called: LMOD3-related condition.

Allele frequency attached by ClinVar (database versions not stated): gnomAD exomes 0.00013 and 0.00030; ExAC 0.00030; 1000 Genomes Project 0.00080; ESP Exome Variant Server 0.00090; TOPMed 0.00119; gnomAD 0.00124 and 0.00138; 1000 Genomes Project 30x 0.00125.
gnomAD v4.1: 385 of 1,613,922 alleles (0.024%); highest among the groups gnomAD compares: African/African-American, 0.46%; no homozygotes.

Submissions (4):

Labcorp Genetics (formerly Invitae), Labcorp
Classification: Benign for Nemaline myopathy 10. Last evaluated: 2026-01-19. Review status: criteria provided, single submitter. Criteria: Invitae Variant Classification Sherloc (09022015). Collection method: clinical testing. Allele origin: germline.

PreventionGenetics, part of Exact Sciences
Classification: Likely benign for LMOD3-related condition. Last evaluated: 2024-10-22. Review status: criteria provided, single submitter. Criteria: ACMG Guidelines, 2015. Collection method: clinical testing. Allele origin: germline.
Comment: This variant is classified as likely benign based on ACMG/AMP sequence variant interpretation guidelines (Richards et al. 2015 PMID: 25741868, with internal and published modifications).

Blueprint Genetics
Classification: Likely benign. Last evaluated: 2023-10-05. Review status: criteria provided, single submitter. Criteria: ACMG Guidelines, 2015. Collection method: clinical testing. Allele origin: germline.

GeneDx
Classification: Likely benign. Last evaluated: 2021-05-14. Review status: criteria provided, single submitter. Criteria: GeneDx Variant Classification Process June 2021. Collection method: clinical testing. Allele origin: germline. Affected: yes.